The following is an entry in ClinVar:

ClinVar aggregate classification (germline): Benign (1 of 4 stars; one submission).

Conditions:
Hereditary diffuse gastric adenocarcinoma (HDGC). Also called: DIFFUSE GASTRIC AND LOBULAR BREAST CANCER SYNDROME. Identifiers: Orphanet 26106, MedGen C1708349, MONDO:0007648, OMIM 137215.

gnomAD v4.1: 2 of 1,613,956 alleles (0.00012%); highest among the groups gnomAD compares: African/African-American, 0.0027%; no homozygotes.

Submission:

Myriad Genetics, Inc.
Classification: Benign for Hereditary diffuse gastric adenocarcinoma. Last evaluated: 2024-10-11. Review status: criteria provided, single submitter. Criteria: Myriad Autosomal Dominant, Autosomal Recessive and X-Linked Classification Criteria (2023). Collection method: clinical testing. Allele origin: unknown.
Comment: This variant is considered benign. This variant is a silent/synonymous amino acid change and it is not expected to impact splicing.

NM_001903.5(CTNNA1):c.1431T>C (p.Ser477=)

Gene: CTNNA1 (catenin alpha 1; plus strand). Cytogenetic location: 5q31.2.
Variant type: single nucleotide variant.
Coding change: c.1431T>C on transcript NM_001903.5 (MANE Select); coding-DNA position 1431, T replaced by C.
Protein change: p.Ser477=; no amino-acid change (serine 477 retained).
Molecular consequence: synonymous variant. On other transcripts: 5 prime UTR variant (5).
Genome position (GRCh38, 1-based): chr5:138,917,783, T>C. VCF-style: chr5-138917783-T-C. GRCh37 (hg19) VCF-style: chr5-138253472-T-C.
Other names: c.1431T>C, p.Ser477= (NM_001290307.3, NM_001323982.2, NM_001323983.1 and 2 more transcripts); c.1122T>C, p.Ser374= (NM_001290309.3); c.1062T>C, p.Ser354= (NM_001290310.3); c.321T>C, p.Ser107= (NM_001290312.1, NM_001323987.1, NM_001323988.1 and 17 more transcripts); c.1338T>C, p.Ser446= (NM_001323986.2); c.-19T>C (NM_001324006.1, NM_001324007.1, NM_001324008.1 and 2 more transcripts); c.228T>C, p.Ser76= (NM_001324011.1); c.78T>C, p.Ser26= (NM_001324012.1, NM_001324013.1).
Identifiers: ClinVar variation 3773353 (VCV003773353.1).